The following is an entry in ClinVar:

NM_000445.5(PLEC):c.131G>T (p.Gly44Val)

Gene: PLEC (plectin; minus strand). Cytogenetic location: 8q24.3.
Variant type: single nucleotide variant.
Coding change: c.131G>T on transcript NM_000445.5; coding-DNA position 131, G replaced by T.
Protein change: p.Gly44Val; replaces glycine 44 with valine.
Molecular consequence: missense variant.
Genome position (GRCh38, 1-based): chr8:143,975,239, C>A on the plus strand (G>T on the coding strand, the complement: PLEC is on the minus strand). VCF-style: chr8-143975239-C-A. GRCh37 (hg19) VCF-style: chr8-145049407-C-A.
Other names: c.131G>T, p.Gly44Val (NM_001410941.1); short protein forms G44V.
Identifiers: ClinVar variation 2940413 (VCV002940413.3), dbSNP rs782602309, ClinGen allele CA4929148.

ClinVar aggregate classification (germline): Uncertain significance (1 of 4 stars; one submission).

Conditions:
Epidermolysis bullosa simplex with nail dystrophy (EBS5D). Identifiers: MedGen C4225309, MONDO:0014661, OMIM 616487.
Epidermolysis bullosa simplex, Ogna type (EBS5A). Also called: Pidermolysis bullosa simplex 5A, Ogna type; EPIDERMOLYSIS BULLOSA SIMPLEX 5A, OGNA TYPE. Identifiers: Orphanet 79401, MedGen C0432317, MONDO:0007555, OMIM 131950.
Autosomal recessive limb-girdle muscular dystrophy type 2Q (LGMDR17). Also called: MUSCULAR DYSTROPHY, LIMB-GIRDLE, AUTOSOMAL RECESSIVE 17. Identifiers: Orphanet 254361, MedGen C3150989, MONDO:0013390, OMIM 613723.
Epidermolysis bullosa simplex 5B, with muscular dystrophy (EBS5B). Also called: Epidermolysis bullosa simplex with muscular dystrophy; EPIDERMOLYSIS BULLOSA SIMPLEX AND LIMB-GIRDLE MUSCULAR DYSTROPHY. Identifiers: Orphanet 257, MedGen C2931072, MONDO:0009181, OMIM 226670.
Epidermolysis bullosa simplex 5C, with pyloric atresia (EBS5C). Also called: PLEC-Related Epidermolysis Bullosa with Pyloric Atresia; Epidermolysis bullosa simplex with pyloric atresia; PLEC1-Related Epidermolysis Bullosa with Pyloric Atresia. Identifiers: Orphanet 158684, MedGen C2677349, MONDO:0012807, OMIM 612138.

gnomAD v4.1: 20 of 1,606,992 alleles (0.0012%); highest among the groups gnomAD compares: Non-Finnish European, 0.0017%; no homozygotes.

Submission:

Labcorp Genetics (formerly Invitae), Labcorp
Classification: Uncertain significance for Autosomal recessive limb-girdle muscular dystrophy type 2Q; Epidermolysis bullosa simplex, Ogna type; Epidermolysis bullosa simplex with nail dystrophy; Epidermolysis bullosa simplex 5C, with pyloric atresia; Epidermolysis bullosa simplex 5B, with muscular dystrophy. Last evaluated: 2023-12-14. Review status: criteria provided, single submitter. Criteria: Invitae Variant Classification Sherloc (09022015). Collection method: clinical testing. Allele origin: germline.
Comment: This sequence change replaces glycine, which is neutral and non-polar, with valine, which is neutral and non-polar, at codon 44 of the PLEC protein (p.Gly44Val). This variant is present in population databases (rs782602309, gnomAD 0.002%). This variant has not been reported in the literature in individuals affected with PLEC-related conditions. Experimental studies and prediction algorithms are not available or were not evaluated, and the functional significance of this variant is currently unknown. In summary, the available evidence is currently insufficient to determine the role of this variant in disease. Therefore, it has been classified as a Variant of Uncertain Significance.